The following is an entry in ClinVar:

NM_152618.3(BBS12):c.1774G>C (p.Ala592Pro)

Gene: BBS12 (Bardet-Biedl syndrome 12; plus strand). Cytogenetic location: 4q27.
Variant type: single nucleotide variant.
Coding change: c.1774G>C on transcript NM_152618.3 (MANE Select); coding-DNA position 1774, G replaced by C.
Protein change: p.Ala592Pro; replaces alanine 592 with proline.
Molecular consequence: missense variant.
Genome position (GRCh38, 1-based): chr4:122,743,666, G>C. VCF-style: chr4-122743666-G-C. GRCh37 (hg19) VCF-style: chr4-123664821-G-C.
Other names: c.1774G>C, p.Ala592Pro (NM_001178007.2); short protein forms A592P.
Identifiers: ClinVar variation 3349525 (VCV003349525.2).

ClinVar aggregate classification (germline): Uncertain significance. Review status: criteria provided, single submitter (1 of 4 stars). 2 submissions from 2 submitters: Uncertain significance (1). 1 of the submissions does not count toward it. Last evaluated 2018-06-29.

Conditions:
BBS12-related disorder. Also called: BBS12-related condition.

gnomAD v4.1: 2 of 1,614,098 alleles (0.00012%); highest among the groups gnomAD compares: Non-Finnish European, 0.00017%; no homozygotes.

Submissions (2):

Blueprint Genetics
Classification: Uncertain significance. Last evaluated: 2018-06-29. Review status: criteria provided, single submitter. Criteria: ACMG Guidelines, 2015. Collection method: clinical testing. Allele origin: germline.

PreventionGenetics, part of Exact Sciences
Classification: Uncertain significance for BBS12-related condition. Last evaluated: 2024-03-15. Review status: no assertion criteria provided. Collection method: clinical testing. Allele origin: germline. Not counted in ClinVar's aggregate classification.
Comment: The BBS12 c.1774G>C variant is predicted to result in the amino acid substitution p.Ala592Pro. To our knowledge, this variant has not been reported in the literature. This variant is reported in 0.00088% of alleles in individuals of European (Non-Finnish) descent in gnomAD. At this time, the clinical significance of this variant is uncertain due to the absence of conclusive functional and genetic evidence.